The following is an entry in ClinVar:

ClinVar aggregate classification (germline): Uncertain significance (1 of 4 stars; one submission).

Conditions:
Kabuki syndrome. Also called: Kabuki make-up syndrome; NIIKAWA-KUROKI SYNDROME. Identifiers: Orphanet 2322, MedGen C0796004, MONDO:0016512.

Allele frequency attached by ClinVar (database versions not stated): gnomAD exomes below 0.00001.
gnomAD v4.1: 2 of 1,603,918 alleles (0.00012%); highest among the groups gnomAD compares: Non-Finnish European, 0.00017%; no homozygotes.

Submission:

Labcorp Genetics (formerly Invitae), Labcorp
Classification: Uncertain significance for Kabuki syndrome. Last evaluated: 2023-10-27. Review status: criteria provided, single submitter. Criteria: Invitae Variant Classification Sherloc (09022015). Collection method: clinical testing. Allele origin: germline.
Comment: This sequence change replaces serine, which is neutral and polar, with leucine, which is neutral and non-polar, at codon 4057 of the KMT2D protein (p.Ser4057Leu). This variant is not present in population databases (gnomAD no frequency). This variant has not been reported in the literature in individuals affected with KMT2D-related conditions. Advanced modeling of protein sequence and biophysical properties (such as structural, functional, and spatial information, amino acid conservation, physicochemical variation, residue mobility, and thermodynamic stability) performed at Invitae indicates that this missense variant is not expected to disrupt KMT2D protein function with a negative predictive value of 95%. In summary, the available evidence is currently insufficient to determine the role of this variant in disease. Therefore, it has been classified as a Variant of Uncertain Significance.

NM_003482.4(KMT2D):c.12170C>T (p.Ser4057Leu)

Gene: KMT2D (lysine methyltransferase 2D; minus strand). Cytogenetic location: 12q13.12.
Variant type: single nucleotide variant.
Coding change: c.12170C>T on transcript NM_003482.4 (MANE Select); coding-DNA position 12170, C replaced by T.
Protein change: p.Ser4057Leu; replaces serine 4057 with leucine.
Molecular consequence: missense variant.
Genome position (GRCh38, 1-based): chr12:49,032,535, G>A on the plus strand (C>T on the coding strand, the complement: KMT2D is on the minus strand). VCF-style: chr12-49032535-G-A. GRCh37 (hg19) VCF-style: chr12-49426318-G-A.
Other names: short protein forms S4057L.
Identifiers: ClinVar variation 2977530 (VCV002977530.3), dbSNP rs2498358477, ClinGen allele CA384712735.